The following is an entry in ClinVar:

ClinVar aggregate classification (germline): Uncertain significance (1 of 4 stars; one submission).

gnomAD v4.1: 15 of 1,613,090 alleles (0.00093%); highest among the groups gnomAD compares: South Asian, 0.0099%; no homozygotes.

Submission:

Women's Health and Genetics/Laboratory Corporation of America, LabCorp
Classification: Uncertain significance. Last evaluated: 2024-11-27. Review status: criteria provided, single submitter. Criteria: LabCorp Variant Classification Summary - May 2015. Collection method: clinical testing. Allele origin: germline.
Comment: Variant summary: TTN c.58747C>T (p.Arg19583Trp) results in a non-conservative amino acid change in the encoded protein sequence. Three of four in-silico tools predict a benign effect of the variant on protein function. The variant allele was found at a frequency of 1.6e-05 in 248180 control chromosomes. The available data on variant occurrences in the general population are insufficient to allow any conclusion about variant significance. To our knowledge, no occurrence of c.58747C>T in individuals affected with Autosomal Recessive Titinopathy and no experimental evidence demonstrating its impact on protein function have been reported. No submitters have cited clinical-significance assessments for this variant to ClinVar. Based on the evidence outlined above, the variant was classified as uncertain significance.

NM_001267550.2(TTN):c.66451C>T (p.Arg22151Trp)

Genes: TTN (titin; minus strand), TTN-AS1 (TTN antisense RNA 1; plus strand). Cytogenetic location: 2q31.2.
Variant type: single nucleotide variant.
Coding change: c.66451C>T on transcript NM_001267550.2 (MANE Select); coding-DNA position 66451, C replaced by T.
Protein change: p.Arg22151Trp; replaces arginine 22151 with tryptophan.
Molecular consequence: missense variant.
Genome position (GRCh38, 1-based): chr2:178,581,918, G>A on the plus strand (C>T on the coding strand, the complement: TTN is on the minus strand). VCF-style: chr2-178581918-G-A. GRCh37 (hg19) VCF-style: chr2-179446645-G-A.
Other names: c.61528C>T, p.Arg20510Trp (NM_001256850.1); c.39256C>T, p.Arg13086Trp (NM_003319.4); c.58747C>T, p.Arg19583Trp (NM_133378.4); c.39631C>T, p.Arg13211Trp (NM_133432.3); c.39832C>T, p.Arg13278Trp (NM_133437.4); short protein forms R13086W, R13211W, R13278W, R19583W, R20510W, R22151W.
Identifiers: ClinVar variation 3629489 (VCV003629489.2).
Genomic context (GRCh38, chr2:178,581,918, plus strand): 5'-TAATGCTGCTTTTAACACAGGATATGGAACTCGTTCATGAACACTTACACTGAGGGTCCC[G>A]AGCATAAGCGGCCTTGGATGCGTCACTGGGTTTGCCTGGTCCAGCTTTATTTATAGCTGT-3'
Protein context (NP_001254479.2, residues 22141-22161): PSDASKAAYA[Arg22151Trp]DPQYPPGPPA